The following is an entry in ClinVar:

ClinVar aggregate classification (germline): Uncertain significance (1 of 4 stars; one submission).

Conditions:
Hereditary cancer-predisposing syndrome. Also called: Neoplastic Syndromes, Hereditary; Tumor predisposition; Hereditary Cancer Syndrome; Hereditary neoplastic syndrome. Identifiers: Orphanet 140162, MedGen C0027672, MeSH D009386, MONDO:0015356.

Submission:

Ambry Genetics
Classification: Uncertain significance for Hereditary cancer-predisposing syndrome. Last evaluated: 2026-05-22. Review status: criteria provided, single submitter. Criteria: Ambry Variant Classification Scheme 2023. Collection method: clinical testing. Allele origin: germline.
Comment: The p.D338V variant (also known as c.1013A>T), located in coding exon 10 of the RB1 gene, results from an A to T substitution at nucleotide position 1013. The aspartic acid at codon 338 is replaced by valine, an amino acid with highly dissimilar properties. This amino acid position is conserved. In addition, this alteration is predicted to be deleterious by in silico analysis. Based on the available evidence, the clinical significance of this variant remains unclear.

NM_000321.3(RB1):c.1013A>T (p.Asp338Val)

Gene: RB1 (RB transcriptional corepressor 1; plus strand). Cytogenetic location: 13q14.2.
Variant type: single nucleotide variant.
Coding change: c.1013A>T on transcript NM_000321.3 (MANE Select); coding-DNA position 1013, A replaced by T.
Protein change: p.Asp338Val; replaces aspartic acid 338 with valine.
Molecular consequence: missense variant.
Genome position (GRCh38, 1-based): chr13:48,367,567, A>T. VCF-style: chr13-48367567-A-T. GRCh37 (hg19) VCF-style: chr13-48941703-A-T.
Other names: c.1013A>T, p.Asp338Val (NM_001407165.1, NM_001407166.1); short protein forms D338V.
Identifiers: ClinVar variation 4863035 (VCV004863035.1).